The following is an entry in ClinVar:

NM_022081.6(HPS4):c.1292C>T (p.Pro431Leu)

Gene: HPS4 (HPS4 biogenesis of lysosomal organelles complex 3 subunit 2; minus strand). Cytogenetic location: 22q12.1.
Variant type: single nucleotide variant.
Coding change: c.1292C>T on transcript NM_022081.6 (MANE Select); coding-DNA position 1292, C replaced by T.
Protein change: p.Pro431Leu; replaces proline 431 with leucine.
Molecular consequence: missense variant. On other transcripts: non-coding transcript variant (8).
Genome position (GRCh38, 1-based): chr22:26,464,338, G>A on the plus strand (C>T on the coding strand, the complement: HPS4 is on the minus strand). VCF-style: chr22-26464338-G-A. GRCh37 (hg19) VCF-style: chr22-26860304-G-A.
Other names: c.1292C>T, p.Pro431Leu (NM_001349896.1, NM_001349898.2, NM_001349899.2 and 4 more transcripts); c.1346C>T, p.Pro449Leu (NM_001349900.2, NM_001349901.1); c.1277C>T, p.Pro426Leu (NM_152841.2); c.1292C>T (NM_022081.4); short protein forms P426L, P431L, P449L.
Identifiers: ClinVar variation 1063561 (VCV001063561.8), dbSNP rs372499859, ClinGen allele CA10163355.

ClinVar aggregate classification (germline): Uncertain significance. Review status: criteria provided, multiple submitters, no conflicts (2 of 4 stars). 2 submissions from 2 submitters: Uncertain significance (2). Last evaluated 2025-04-18.

Conditions:
Inborn genetic diseases. Identifiers: MedGen C0950123, MeSH D030342.

Allele frequency attached by ClinVar (database versions not stated): gnomAD exomes 0.00002 and 0.00007; gnomAD 0.00010; TOPMed 0.00010; ExAC 0.00011.
gnomAD v4.1: 57 of 1,614,036 alleles (0.0035%); highest among the groups gnomAD compares: African/African-American, 0.025%; no homozygotes.

Submissions (2):

Ambry Genetics
Classification: Uncertain significance for Inborn genetic diseases. Last evaluated: 2025-04-18. Review status: criteria provided, single submitter. Criteria: Ambry Variant Classification Scheme 2023. Collection method: clinical testing. Allele origin: germline.

Labcorp Genetics (formerly Invitae), Labcorp
Classification: Uncertain significance. Last evaluated: 2022-10-27. Review status: criteria provided, single submitter. Criteria: Invitae Variant Classification Sherloc (09022015). Collection method: clinical testing. Allele origin: germline.
Comment: This sequence change replaces proline, which is neutral and non-polar, with leucine, which is neutral and non-polar, at codon 431 of the HPS4 protein (p.Pro431Leu). This variant is present in population databases (rs372499859, gnomAD 0.04%). This variant has not been reported in the literature in individuals affected with HPS4-related conditions. ClinVar contains an entry for this variant (Variation ID: 1063561). Algorithms developed to predict the effect of missense changes on protein structure and function output the following: SIFT: "Tolerated"; PolyPhen-2: "Benign"; Align-GVGD: "Class C0". The leucine amino acid residue is found in multiple mammalian species, which suggests that this missense change does not adversely affect protein function. In summary, the available evidence is currently insufficient to determine the role of this variant in disease. Therefore, it has been classified as a Variant of Uncertain Significance.